The following is an entry in ClinVar:

ClinVar aggregate classification (germline): Conflicting classifications of pathogenicity. Review status: criteria provided, conflicting classifications (1 of 4 stars). 4 submissions from 4 submitters: Uncertain significance (3); Likely benign (1). Last evaluated 2025-08-29.

Conditions:
Inborn genetic diseases. Identifiers: MedGen C0950123, MeSH D030342.
PLEC-related disorder. Also called: PLEC-related condition; PLEC-related disorders.
Epidermolysis bullosa simplex 5C, with pyloric atresia (EBS5C). Also called: PLEC-Related Epidermolysis Bullosa with Pyloric Atresia; Epidermolysis bullosa simplex with pyloric atresia; PLEC1-Related Epidermolysis Bullosa with Pyloric Atresia. Identifiers: Orphanet 158684, MedGen C2677349, MONDO:0012807, OMIM 612138.
Epidermolysis bullosa simplex 5B, with muscular dystrophy (EBS5B). Also called: EPIDERMOLYSIS BULLOSA SIMPLEX AND LIMB-GIRDLE MUSCULAR DYSTROPHY; Epidermolysis bullosa simplex with muscular dystrophy. Identifiers: Orphanet 257, MedGen C2931072, MONDO:0009181, OMIM 226670.
Epidermolysis bullosa simplex with nail dystrophy (EBS5D). Identifiers: MedGen C4225309, MONDO:0014661, OMIM 616487.
Epidermolysis bullosa simplex, Ogna type (EBS5A). Also called: Pidermolysis bullosa simplex 5A, Ogna type; EPIDERMOLYSIS BULLOSA SIMPLEX 5A, OGNA TYPE. Identifiers: Orphanet 79401, MedGen C0432317, MONDO:0007555, OMIM 131950.
Autosomal recessive limb-girdle muscular dystrophy type 2Q (LGMDR17). Also called: MUSCULAR DYSTROPHY, LIMB-GIRDLE, AUTOSOMAL RECESSIVE 17. Identifiers: Orphanet 254361, MedGen C3150989, MONDO:0013390, OMIM 613723.

Allele frequency attached by ClinVar (database versions not stated): ExAC 0.00002; gnomAD exomes 0.00002 and 0.00004; TOPMed 0.00002; gnomAD 0.00003 and 0.00004.
gnomAD v4.1: 59 of 1,613,126 alleles (0.0037%); highest among the groups gnomAD compares: Non-Finnish European, 0.0042%; no homozygotes.

Submissions (4):

Labcorp Genetics (formerly Invitae), Labcorp
Classification: Uncertain significance for Autosomal recessive limb-girdle muscular dystrophy type 2Q; Epidermolysis bullosa simplex, Ogna type; Epidermolysis bullosa simplex with nail dystrophy; Epidermolysis bullosa simplex 5C, with pyloric atresia; Epidermolysis bullosa simplex 5B, with muscular dystrophy. Last evaluated: 2025-08-29. Review status: criteria provided, single submitter. Criteria: Invitae Variant Classification Sherloc (09022015). Collection method: clinical testing. Allele origin: germline.
Comment: This sequence change replaces glycine, which is neutral and non-polar, with serine, which is neutral and polar, at codon 1289 of the PLEC protein (p.Gly1289Ser). This variant is present in population databases (rs782158050, gnomAD 0.007%). This variant has not been reported in the literature in individuals affected with PLEC-related conditions. ClinVar contains an entry for this variant (Variation ID: 1216951). Invitae Evidence Modeling of protein sequence and biophysical properties (such as structural, functional, and spatial information, amino acid conservation, physicochemical variation, residue mobility, and thermodynamic stability) indicates that this missense variant is not expected to disrupt PLEC protein function with a negative predictive value of 80%. In summary, the available evidence is currently insufficient to determine the role of this variant in disease. Therefore, it has been classified as a Variant of Uncertain Significance.

Ambry Genetics
Classification: Uncertain significance for Inborn genetic diseases. Last evaluated: 2024-11-07. Review status: criteria provided, single submitter. Criteria: Ambry Variant Classification Scheme 2023. Collection method: clinical testing. Allele origin: germline.

PreventionGenetics, part of Exact Sciences
Classification: Uncertain significance for PLEC-related condition. Last evaluated: 2023-06-22. Review status: criteria provided, single submitter. Criteria: ACMG Guidelines, 2015. Collection method: clinical testing. Allele origin: germline.
Comment: The PLEC c.3865G>A variant is predicted to result in the amino acid substitution p.Gly1289Ser. To our knowledge, this variant has not been reported in the literature. This variant is reported in 0.0066% of alleles in individuals of African descent in gnomAD. At this time, the clinical significance of this variant is uncertain due to the absence of conclusive functional and genetic evidence.

GeneDx
Classification: Likely benign. Last evaluated: 2021-01-14. Review status: criteria provided, single submitter. Criteria: GeneDx Variant Classification Process June 2021. Collection method: clinical testing. Allele origin: germline. Affected: yes.

NM_201384.3(PLEC):c.3784G>A (p.Gly1262Ser)

Gene: PLEC (plectin; minus strand). Cytogenetic location: 8q24.3.
Variant type: single nucleotide variant.
Coding change: c.3784G>A on transcript NM_201384.3 (MANE Select); coding-DNA position 3784, G replaced by A.
Protein change: p.Gly1262Ser; replaces glycine 1262 with serine.
Molecular consequence: missense variant.
Genome position (GRCh38, 1-based): chr8:143,927,308, C>T on the plus strand (G>A on the coding strand, the complement: PLEC is on the minus strand). VCF-style: chr8-143927308-C-T. GRCh37 (hg19) VCF-style: chr8-145001476-C-T.
Other names: c.3865G>A, p.Gly1289Ser (NM_000445.5); c.3742G>A, p.Gly1248Ser (NM_201378.4); c.3718G>A, p.Gly1240Ser (NM_201379.3); c.4195G>A, p.Gly1399Ser (NM_201380.4); c.3688G>A, p.Gly1230Ser (NM_201381.3); c.3784G>A, p.Gly1262Ser (NM_201382.4); c.3796G>A, p.Gly1266Ser (NM_201383.3); c.3865G>A (NM_000445.4); short protein forms G1230S, G1240S, G1248S, G1262S, G1266S, G1289S, G1399S.
Identifiers: ClinVar variation 1216951 (VCV001216951.13), dbSNP rs782158050, ClinGen allele CA4926930.